The following is an entry in ClinVar:

NM_024915.4(GRHL2):c.980C>T (p.Ala327Val)

Gene: GRHL2 (grainyhead like transcription factor 2; plus strand). Cytogenetic location: 8q22.3.
Variant type: single nucleotide variant.
Coding change: c.980C>T on transcript NM_024915.4 (MANE Select); coding-DNA position 980, C replaced by T.
Protein change: p.Ala327Val; replaces alanine 327 with valine.
Molecular consequence: missense variant.
Genome position (GRCh38, 1-based): chr8:101,577,496, C>T. VCF-style: chr8-101577496-C-T. GRCh37 (hg19) VCF-style: chr8-102589724-C-T.
Other names: c.932C>T, p.Ala311Val (NM_001330593.2); short protein forms A311V, A327V.
Identifiers: ClinVar variation 1309990 (VCV001309990.8), dbSNP rs773319502, ClinGen allele CA4830436.

ClinVar aggregate classification (germline): Uncertain significance. Review status: criteria provided, multiple submitters, no conflicts (2 of 4 stars). 3 submissions from 3 submitters: Uncertain significance (3). Last evaluated 2026-02-16.

Conditions:
GRHL2-related disorder. Also called: GRHL2-related condition; GRHL2-related disorders.

Allele frequency attached by ClinVar (database versions not stated): ExAC 0.00002; gnomAD exomes 0.00002; gnomAD 0.00010; TOPMed 0.00011.
gnomAD v4.1: 53 of 1,613,338 alleles (0.0033%); highest among the groups gnomAD compares: African/African-American, 0.021%; no homozygotes.

Submissions (3):

PreventionGenetics, part of Exact Sciences
Classification: Uncertain significance for GRHL2-related condition. Last evaluated: 2026-02-16. Review status: criteria provided, single submitter. Criteria: ACMG Guidelines, 2015. Collection method: clinical testing. Allele origin: germline.
Comment: The GRHL2 c.980C>T variant is predicted to result in the amino acid substitution p.Ala327Val. To our knowledge, this variant has not been reported in the literature. This variant is reported in 0.016% of alleles in individuals of African descent in gnomAD. At this time, the clinical significance of this variant is uncertain due to the absence of conclusive functional and genetic evidence.

Labcorp Genetics (formerly Invitae), Labcorp
Classification: Uncertain significance. Last evaluated: 2025-11-10. Review status: criteria provided, single submitter. Criteria: Invitae Variant Classification Sherloc (09022015). Collection method: clinical testing. Allele origin: germline.
Comment: This sequence change replaces alanine, which is neutral and non-polar, with valine, which is neutral and non-polar, at codon 327 of the GRHL2 protein (p.Ala327Val). This variant is present in population databases (rs773319502, gnomAD 0.02%). This variant has not been reported in the literature in individuals affected with GRHL2-related conditions. ClinVar contains an entry for this variant (Variation ID: 1309990). Invitae Evidence Modeling of protein sequence and biophysical properties (such as structural, functional, and spatial information, amino acid conservation, physicochemical variation, residue mobility, and thermodynamic stability) indicates that this missense variant is not expected to disrupt GRHL2 protein function with a negative predictive value of 80%. In summary, the available evidence is currently insufficient to determine the role of this variant in disease. Therefore, it has been classified as a Variant of Uncertain Significance.

GeneDx
Classification: Uncertain significance. Last evaluated: 2023-06-30. Review status: criteria provided, single submitter. Criteria: GeneDx Variant Classification Process June 2021. Collection method: clinical testing. Allele origin: germline. Affected: yes.
Comment: In silico analysis, which includes protein predictors and evolutionary conservation, supports a deleterious effect; Has not been previously published as pathogenic or benign to our knowledge